The following is an entry in ClinVar:

ClinVar aggregate classification (germline): Uncertain significance. Review status: criteria provided, multiple submitters, no conflicts (2 of 4 stars). 3 submissions from 2 submitters: Uncertain significance (3). Last evaluated 2023-09-13.

Conditions:
Malignant hyperthermia, susceptibility to, 1 (MHS1). Also called: RYR1-Related Malignant Hyperthermia Susceptibility; Malignant hyperthermia suceptibility 1; Anesthesia related hyperthermia; Malignant hyperpyrexia; Fulminating hyperpyrexia; Pharmacogenic myopathy. Identifiers: Orphanet 423, MedGen C2930980, MONDO:0007783, OMIM 145600.
Congenital multicore myopathy with external ophthalmoplegia (CMYO1B). Also called: Congenital myopathy 1B, autosomal recessive; Minicore myopathy; MULTICORE MYOPATHY; Minicore myopathy with external ophthalmoplegia; MULTIMINICORE DISEASE WITH EXTERNAL OPHTHALMOPLEGIA. Identifiers: Orphanet 598, Orphanet 98905, MedGen C1850674, MONDO:0009712, OMIM 255320, HP:0003789.
RYR1-related disorder. Also called: RYR1-related condition; RYR1-related disorders. Identifiers: MedGen CN239331.

Allele frequency attached by ClinVar (database versions not stated): gnomAD 0.00001; gnomAD exomes 0.00001 and 0.00006; TOPMed 0.00002.
gnomAD v4.1: 15 of 1,390,894 alleles (0.0011%); highest among the groups gnomAD compares: Middle Eastern, 0.026%; no homozygotes.

Submissions (3):

Baylor Genetics
Classification: Uncertain significance for Malignant hyperthermia, susceptibility to, 1. Last evaluated: 2023-09-13. Review status: criteria provided, single submitter. Criteria: ACMG Guidelines, 2015. Collection method: clinical testing. Allele origin: unknown.

Labcorp Genetics (formerly Invitae), Labcorp
Classification: Uncertain significance for RYR1-related disorder. Last evaluated: 2022-10-20. Review status: criteria provided, single submitter. Criteria: Invitae Variant Classification Sherloc (09022015). Collection method: clinical testing. Allele origin: germline.
Comment: This sequence change replaces proline, which is neutral and non-polar, with arginine, which is basic and polar, at codon 4445 of the RYR1 protein (p.Pro4445Arg). This variant is present in population databases (no rsID available, gnomAD 0.01%). This variant has not been reported in the literature in individuals affected with RYR1-related conditions. ClinVar contains an entry for this variant (Variation ID: 1030856). Advanced modeling of protein sequence and biophysical properties (such as structural, functional, and spatial information, amino acid conservation, physicochemical variation, residue mobility, and thermodynamic stability) performed at Invitae indicates that this missense variant is not expected to disrupt RYR1 protein function. In summary, the available evidence is currently insufficient to determine the role of this variant in disease. Therefore, it has been classified as a Variant of Uncertain Significance.

Baylor Genetics
Classification: Uncertain significance for Congenital multicore myopathy with external ophthalmoplegia. Last evaluated: 2019-08-08. Review status: criteria provided, single submitter. Criteria: ACMG Guidelines, 2015. Collection method: clinical testing. Allele origin: unknown. Affected: yes.
Comment: This variant was determined to be of uncertain significance according to ACMG Guidelines, 2015 [PMID:25741868].

NM_000540.3(RYR1):c.13334C>G (p.Pro4445Arg)

Genes: RYR1 (ryanodine receptor 1; plus strand), LOC130064357 (ATAC-STARR-seq lymphoblastoid silent region 10577; plus strand). Cytogenetic location: 19q13.2.
Variant type: single nucleotide variant.
Coding change: c.13334C>G on transcript NM_000540.3 (MANE Select); coding-DNA position 13334, C replaced by G.
Protein change: p.Pro4445Arg; replaces proline 4445 with arginine.
Molecular consequence: missense variant.
Genome position (GRCh38, 1-based): chr19:38,565,668, C>G. VCF-style: chr19-38565668-C-G. GRCh37 (hg19) VCF-style: chr19-39056308-C-G.
Other names: c.13319C>G, p.Pro4440Arg (NM_001042723.2); short protein forms P4440R, P4445R.
Identifiers: ClinVar variation 1030856 (VCV001030856.4), dbSNP rs905232339, ClinGen allele CA308109685.